The following is an entry in ClinVar:

ClinVar aggregate classification (germline): Uncertain significance (1 of 4 stars; one submission).

Allele frequency attached by ClinVar (database versions not stated): gnomAD exomes below 0.00001; TOPMed below 0.00001; gnomAD 0.00001.
gnomAD v4.1: 7 of 1,613,992 alleles (0.00043%); highest among the groups gnomAD compares: Non-Finnish European, 0.00059%; no homozygotes.

Submission:

Ambry Genetics
Classification: Uncertain significance. Last evaluated: 2024-10-28. Review status: criteria provided, single submitter. Criteria: Ambry Variant Classification Scheme 2023. Collection method: clinical testing. Allele origin: germline.
Comment: The p.M551T variant (also known as c.1652T>C), located in coding exon 9 of the PALLD gene, results from a T to C substitution at nucleotide position 1652. The methionine at codon 551 is replaced by threonine, an amino acid with similar properties. This amino acid position is conserved. In addition, this alteration is predicted to be tolerated by in silico analysis. Since supporting evidence is limited at this time, the clinical significance of this alteration remains unclear.

NM_001166108.2(PALLD):c.1652T>C (p.Met551Thr)

Gene: PALLD (palladin, cytoskeletal associated protein; plus strand). Cytogenetic location: 4q32.3.
Variant type: single nucleotide variant.
Coding change: c.1652T>C on transcript NM_001166108.2 (MANE Select); coding-DNA position 1652, T replaced by C.
Protein change: p.Met551Thr; replaces methionine 551 with threonine.
Molecular consequence: missense variant.
Genome position (GRCh38, 1-based): chr4:168,711,611, T>C. VCF-style: chr4-168711611-T-C. GRCh37 (hg19) VCF-style: chr4-169632762-T-C.
Other names: c.506T>C, p.Met169Thr (NM_001166109.2); c.1652T>C, p.Met551Thr (NM_016081.4); short protein forms M551T, M169T.
Identifiers: ClinVar variation 1777283 (VCV001777283.3), dbSNP rs1413988104, ClinGen allele CA358797917.